The following is an entry in ClinVar:

ClinVar aggregate classification (germline): Likely benign (1 of 4 stars; one submission).

Allele frequency attached by ClinVar (database versions not stated): gnomAD exomes 0.00001.
gnomAD v4.1: 6 of 1,608,708 alleles (0.00037%); highest among the groups gnomAD compares: Non-Finnish European, 0.00051%; no homozygotes.

Submission:

GeneDx
Classification: Likely benign. Last evaluated: 2017-09-21. Review status: criteria provided, single submitter. Criteria: GeneDx Variant Classification (06012015). Collection method: clinical testing. Allele origin: germline. Affected: yes.
Comment: This variant is considered likely benign or benign based on one or more of the following criteria: it is a conservative change, it occurs at a poorly conserved position in the protein, it is predicted to be benign by multiple in silico algorithms, and/or has population frequency not consistent with disease.

NM_001035.3(RYR2):c.7116-9T>C

Gene: RYR2 (ryanodine receptor 2; plus strand). Cytogenetic location: 1q43.
Variant type: single nucleotide variant.
Coding change: c.7116-9T>C on transcript NM_001035.3 (MANE Select); 9 bases into the intron before coding-DNA position 7116, T replaced by C.
Molecular consequence: intron variant.
Genome position (GRCh38, 1-based): chr1:237,640,888, T>C. VCF-style: chr1-237640888-T-C. GRCh37 (hg19) VCF-style: chr1-237804188-T-C.
Other names: c.7116-9T>C (LRG_402t1).
Identifiers: ClinVar variation 512254 (VCV000512254.1), dbSNP rs1553264629, ClinGen allele CA658795634.